The following is an entry in ClinVar:

NM_005732.4(RAD50):c.655A>G (p.Lys219Glu)

Gene: RAD50 (RAD50 double strand break repair protein; plus strand). Cytogenetic location: 5q31.1.
Variant type: single nucleotide variant.
Coding change: c.655A>G on transcript NM_005732.4 (MANE Select); coding-DNA position 655, A replaced by G.
Protein change: p.Lys219Glu; replaces lysine 219 with glutamic acid.
Molecular consequence: missense variant.
Genome position (GRCh38, 1-based): chr5:132,579,965, A>G. VCF-style: chr5-132579965-A-G. GRCh37 (hg19) VCF-style: chr5-131915657-A-G.
Other names: short protein forms K219E.
Identifiers: ClinVar variation 937564 (VCV000937564.12), dbSNP rs1750475501, ClinGen allele CA360936198.

ClinVar aggregate classification (germline): Uncertain significance. Review status: criteria provided, multiple submitters, no conflicts (2 of 4 stars). 2 submissions from 2 submitters: Uncertain significance (2). Last evaluated 2021-09-08.

Conditions:
Hereditary cancer-predisposing syndrome. Also called: Tumor predisposition; Hereditary neoplastic syndrome; Hereditary Cancer Syndrome; Neoplastic Syndromes, Hereditary. Identifiers: Orphanet 140162, MedGen C0027672, MeSH D009386, MONDO:0015356.

Allele frequency attached by ClinVar (database versions not stated): TOPMed below 0.00001.

Submissions (2):

Ambry Genetics
Classification: Uncertain significance for Hereditary cancer-predisposing syndrome. Last evaluated: 2021-09-08. Review status: criteria provided, single submitter. Criteria: Ambry Variant Classification Scheme 2023. Collection method: clinical testing. Allele origin: germline.
Comment: The p.K219E variant (also known as c.655A>G), located in coding exon 5 of the RAD50 gene, results from an A to G substitution at nucleotide position 655. The lysine at codon 219 is replaced by glutamic acid, an amino acid with similar properties. This amino acid position is conserved. In addition, the in silico prediction for this alteration is inconclusive. Since supporting evidence is limited at this time, the clinical significance of this alteration remains unclear.

Labcorp Genetics (formerly Invitae), Labcorp
Classification: Uncertain significance for Hereditary cancer-predisposing syndrome. Last evaluated: 2019-06-18. Review status: criteria provided, single submitter. Criteria: Invitae Variant Classification Sherloc (09022015). Collection method: clinical testing. Allele origin: germline.
Comment: This sequence change replaces lysine with glutamic acid at codon 219 of the RAD50 protein (p.Lys219Glu). The lysine residue is moderately conserved and there is a small physicochemical difference between lysine and glutamic acid. This variant is not present in population databases (ExAC no frequency). This variant has not been reported in the literature in individuals with RAD50-related conditions. Algorithms developed to predict the effect of missense changes on protein structure and function (SIFT, PolyPhen-2, Align-GVGD) all suggest that this variant is likely to be tolerated, but these predictions have not been confirmed by published functional studies and their clinical significance is uncertain. In summary, the available evidence is currently insufficient to determine the role of this variant in disease. Therefore, it has been classified as a Variant of Uncertain Significance.